The following is an entry in ClinVar:

ClinVar aggregate classification (germline): Uncertain significance (1 of 4 stars; one submission).

Submission:

GeneDx
Classification: Uncertain significance. Last evaluated: 2025-08-15. Review status: criteria provided, single submitter. Criteria: GeneDx Variant Classification Process June 2021. Collection method: clinical testing. Allele origin: germline. Affected: yes.
Comment: Not observed at significant frequency in large population cohorts (gnomAD); In silico analysis supports that this missense variant has a deleterious effect on protein structure/function; Has not been previously published as pathogenic or benign to our knowledge; This variant is associated with the following publications: (PMID: 23334294)

NM_015915.5(ATL1):c.1532C>T (p.Ala511Val)

Gene: ATL1 (atlastin GTPase 1; plus strand). Cytogenetic location: 14q22.1.
Variant type: single nucleotide variant.
Coding change: c.1532C>T on transcript NM_015915.5 (MANE Select); coding-DNA position 1532, C replaced by T.
Protein change: p.Ala511Val; replaces alanine 511 with valine.
Molecular consequence: missense variant.
Genome position (GRCh38, 1-based): chr14:50,628,443, C>T. VCF-style: chr14-50628443-C-T. GRCh37 (hg19) VCF-style: chr14-51095161-C-T.
Other names: c.1532C>T, p.Ala511Val (NM_001127713.1, NM_181598.4); short protein forms A511V.
Identifiers: ClinVar variation 4795593 (VCV004795593.1).